The following is an entry in ClinVar:

NM_014363.6(SACS):c.12099A>T (p.Lys4033Asn)

Gene: SACS (sacsin molecular chaperone; minus strand). Cytogenetic location: 13q12.12.
Variant type: single nucleotide variant.
Coding change: c.12099A>T on transcript NM_014363.6 (MANE Select); coding-DNA position 12099, A replaced by T.
Protein change: p.Lys4033Asn; replaces lysine 4033 with asparagine.
Molecular consequence: missense variant.
Genome position (GRCh38, 1-based): chr13:23,331,777, T>A on the plus strand (A>T on the coding strand, the complement: SACS is on the minus strand). VCF-style: chr13-23331777-T-A. GRCh37 (hg19) VCF-style: chr13-23905916-T-A.
Other names: c.11658A>T, p.Lys3886Asn (NM_001278055.2); c.12099A>T (NM_014363.4); short protein forms K3886N, K4033N.
Identifiers: ClinVar variation 2166974 (VCV002166974.6), dbSNP rs753090825, ClinGen allele CA6910182.
Genomic context (GRCh38, chr13:23,331,777, plus strand): 5'-AAGCTTTTCAAAGCAGGATACTTTCAATCCTTCTCTTAGGGCTTTGCAAAGTCTTATGGC[T>A]TTTTCTTCATTGGCCAGAAAAGCATTATCATTTTCATGCTTCATAATTCTAATCAGTCCT-3'
Protein context (NP_055178.3, residues 4023-4043): NDNAFLANEE[Lys4033Asn]AIRLCKALRE

ClinVar aggregate classification (germline): Conflicting classifications of pathogenicity. Review status: criteria provided, conflicting classifications (1 of 4 stars). 3 submissions from 3 submitters: Uncertain significance (2); Likely benign (1). Last evaluated 2025-02-10.

Conditions:
Spastic paraplegia. Identifiers: MedGen C0037772, HP:0001258.
Inborn genetic diseases. Identifiers: MedGen C0950123, MeSH D030342.

Allele frequency attached by ClinVar (database versions not stated): ExAC 0.00001.
gnomAD v4.1: 1 of 1,613,944 alleles (0.000062%); no homozygotes.

Submissions (3):

Women's Health and Genetics/Laboratory Corporation of America, LabCorp
Classification: Uncertain significance. Last evaluated: 2025-02-10. Review status: criteria provided, single submitter. Criteria: LabCorp Variant Classification Summary - May 2015. Collection method: clinical testing. Allele origin: germline.
Comment: Variant summary: SACS c.12099A>T (p.Lys4033Asn) results in a non-conservative amino acid change in the encoded protein sequence. Three of five in-silico tools predict a damaging effect of the variant on protein function. The variant allele was found at a frequency of 8e-06 in 250624 control chromosomes. The available data on variant occurrences in the general population are insufficient to allow any conclusion about variant significance. To our knowledge, no occurrence of c.12099A>T in individuals affected with Charlevoix-Saguenay spastic ataxia and no experimental evidence demonstrating its impact on protein function have been reported. ClinVar contains an entry for this variant (Variation ID: 2166974). Based on the evidence outlined above, the variant was classified as uncertain significance.

Ambry Genetics
Classification: Uncertain significance for Inborn genetic diseases. Last evaluated: 2024-11-10. Review status: criteria provided, single submitter. Criteria: Ambry Variant Classification Scheme 2023. Collection method: clinical testing. Allele origin: germline.

Labcorp Genetics (formerly Invitae), Labcorp
Classification: Likely benign for Spastic paraplegia. Last evaluated: 2022-11-06. Review status: criteria provided, single submitter. Criteria: Invitae Variant Classification Sherloc (09022015). Collection method: clinical testing. Allele origin: germline.